The following is an entry in ClinVar:

NM_020184.4(CNNM4):c.2118G>T (p.Leu706Phe)

Gene: CNNM4 (cyclin and CBS domain divalent metal cation transport mediator 4; plus strand). Cytogenetic location: 2q11.2.
Variant type: single nucleotide variant.
Coding change: c.2118G>T on transcript NM_020184.4 (MANE Select); coding-DNA position 2118, G replaced by T.
Protein change: p.Leu706Phe; replaces leucine 706 with phenylalanine.
Molecular consequence: missense variant.
Genome position (GRCh38, 1-based): chr2:96,808,730, G>T. VCF-style: chr2-96808730-G-T. GRCh37 (hg19) VCF-style: chr2-97474467-G-T.
Other names: short protein forms L706F.
Identifiers: ClinVar variation 1467157 (VCV001467157.4), dbSNP rs2079230339, ClinGen allele CA347708902.

ClinVar aggregate classification (germline): Uncertain significance (1 of 4 stars; one submission).

Allele frequency attached by ClinVar (database versions not stated): gnomAD exomes below 0.00001.
gnomAD v4.1: 1 of 1,614,158 alleles (0.000062%); highest among the groups gnomAD compares: Non-Finnish European, 0.000085%; no homozygotes.

Submission:

Labcorp Genetics (formerly Invitae), Labcorp
Classification: Uncertain significance. Last evaluated: 2022-03-09. Review status: criteria provided, single submitter. Criteria: Invitae Variant Classification Sherloc (09022015). Collection method: clinical testing. Allele origin: germline.
Comment: In summary, the available evidence is currently insufficient to determine the role of this variant in disease. Therefore, it has been classified as a Variant of Uncertain Significance. Algorithms developed to predict the effect of missense changes on protein structure and function are either unavailable or do not agree on the potential impact of this missense change (SIFT: "Tolerated"; PolyPhen-2: "Possibly Damaging"; Align-GVGD: "Class C0"). This variant has not been reported in the literature in individuals affected with CNNM4-related conditions. This variant is not present in population databases (gnomAD no frequency). This sequence change replaces leucine, which is neutral and non-polar, with phenylalanine, which is neutral and non-polar, at codon 706 of the CNNM4 protein (p.Leu706Phe).